The following is an entry in ClinVar:

NM_001267550.2(TTN):c.12721G>A (p.Val4241Ile)

Gene: TTN (titin; minus strand). Cytogenetic location: 2q31.2.
Variant type: single nucleotide variant.
Coding change: c.12721G>A on transcript NM_001267550.2 (MANE Select); coding-DNA position 12721, G replaced by A.
Protein change: p.Val4241Ile; replaces valine 4241 with isoleucine.
Molecular consequence: missense variant. On other transcripts: intron variant (1).
Genome position (GRCh38, 1-based): chr2:178,740,512, C>T on the plus strand (G>A on the coding strand, the complement: TTN is on the minus strand). VCF-style: chr2-178740512-C-T. GRCh37 (hg19) VCF-style: chr2-179605239-C-T.
Other names: c.11770G>A, p.Val3924Ile (NM_001256850.1); c.11632G>A, p.Val3878Ile (NM_003319.4); c.12007G>A, p.Val4003Ile (NM_133432.3); c.12208G>A, p.Val4070Ile (NM_133437.4); c.10361-2152G>A (NM_133378.4); short protein forms V3924I, V4241I, V4003I, V3878I, V4070I.
Identifiers: ClinVar variation 507358 (VCV000507358.1), dbSNP rs1553939072, ClinGen allele CA349610700.

ClinVar aggregate classification (germline): Likely benign (1 of 4 stars; one submission).

Submission:

GeneDx
Classification: Likely benign. Last evaluated: 2017-02-22. Review status: criteria provided, single submitter. Criteria: GeneDx Variant Classification (06012015). Collection method: clinical testing. Allele origin: germline. Affected: yes.
Comment: This variant is considered likely benign or benign based on one or more of the following criteria: it is a conservative change, it occurs at a poorly conserved position in the protein, it is predicted to be benign by multiple in silico algorithms, and/or has population frequency not consistent with disease.